The following is an entry in ClinVar:

NM_000540.3(RYR1):c.7303C>T (p.Arg2435Cys)

Gene: RYR1 (ryanodine receptor 1; plus strand). Cytogenetic location: 19q13.2.
Variant type: single nucleotide variant.
Coding change: c.7303C>T on transcript NM_000540.3 (MANE Select); coding-DNA position 7303, C replaced by T.
Protein change: p.Arg2435Cys; replaces arginine 2435 with cysteine.
Molecular consequence: missense variant.
Genome position (GRCh38, 1-based): chr19:38,499,996, C>T. VCF-style: chr19-38499996-C-T. GRCh37 (hg19) VCF-style: chr19-38990636-C-T.
Other names: c.7303C>T, p.Arg2435Cys (NM_001042723.2); short protein forms R2435C.
Identifiers: ClinVar variation 1022759 (VCV001022759.7), dbSNP rs1970033550, ClinGen allele CA405669590.

ClinVar aggregate classification (germline): Conflicting classifications of pathogenicity. Review status: criteria provided, conflicting classifications (1 of 4 stars). 2 submissions from 2 submitters: Likely pathogenic (1); Uncertain significance (1). Last evaluated 2024-05-14.

Conditions:
Malignant hyperthermia, susceptibility to, 1 (MHS1). Also called: RYR1-Related Malignant Hyperthermia Susceptibility; Malignant hyperthermia suceptibility 1; Anesthesia related hyperthermia; Malignant hyperpyrexia; Fulminating hyperpyrexia; Pharmacogenic myopathy. Identifiers: Orphanet 423, MedGen C2930980, MONDO:0007783, OMIM 145600.
RYR1-related disorder. Also called: RYR1-related disorders; RYR1-related condition. Identifiers: MedGen CN239331.

Allele frequency attached by ClinVar (database versions not stated): gnomAD exomes below 0.00001.
gnomAD v4.1: 3 of 1,614,086 alleles (0.00019%); highest among the groups gnomAD compares: Non-Finnish European, 0.00017%; no homozygotes.

Submissions (2):

All of Us Research Program, National Institutes of Health
Classification: Uncertain significance for Malignant hyperthermia, susceptibility to, 1. Last evaluated: 2024-05-14. Review status: criteria provided, single submitter. Criteria: ACMG Guidelines, 2015. Collection method: clinical testing. Allele origin: germline. Inheritance: Autosomal dominant inheritance. Observed: 1 variant allele, 1 heterozygote.
Comment: This missense variant replaces arginine with cysteine at codon 2435 of the RYR1 protein. Computational prediction suggests that this variant may have deleterious impact on protein structure and function. This variant occurs in a region of the RYR1 protein that is considered to be a hotspot for pathogenic variants that contribute to malignant hyperthermia susceptibility (PMID: 21118704). To our knowledge, functional studies have not been reported for this variant. This variant has not been reported in individuals affected with RYR1-related disorders in the literature. This variant has not been identified in the general population by the Genome Aggregation Database (gnomAD). Different variants occurring at the same codon, c.7304G>T (p.Arg2435Leu) and c.7304G>A (p.Arg2435His), are well-documented pathogenic mutations (ClinVar variation ID: 133196, 12966), indicating that arginine at this position is important for RYR1 protein function. The available evidence is insufficient to determine the role of this variant in disease conclusively. Therefore, this variant is classified as a Variant of Uncertain Significance.

This study involves interpretation of variants in research participants for the purpose of population health screening. Participant phenotype was not available at the time of variant classification. Additional details can be found in publication PMID: 35346344, PMCID: PMC8962531

Labcorp Genetics (formerly Invitae), Labcorp
Classification: Likely pathogenic for RYR1-related disorder. Last evaluated: 2021-11-23. Review status: criteria provided, single submitter. Criteria: Invitae Variant Classification Sherloc (09022015). Collection method: clinical testing. Allele origin: germline.
Comment: In summary, the currently available evidence indicates that the variant is pathogenic, but additional data are needed to prove that conclusively. Therefore, this variant has been classified as Likely Pathogenic. This variant disrupts the p.Arg2435 amino acid residue in RYR1. Other variant(s) that disrupt this residue have been determined to be pathogenic (PMID: 8220422, 10051009, 19658156, 23183335). This suggests that this residue is clinically significant, and that variants that disrupt this residue are likely to be disease-causing. This sequence change replaces arginine, which is basic and polar, with cysteine, which is neutral and slightly polar, at codon 2435 of the RYR1 protein (p.Arg2435Cys). This variant is not present in population databases (gnomAD no frequency). This variant has not been reported in the literature in individuals affected with RYR1-related conditions. ClinVar contains an entry for this variant (Variation ID: 1022759). Advanced modeling of protein sequence and biophysical properties (such as structural, functional, and spatial information, amino acid conservation, physicochemical variation, residue mobility, and thermodynamic stability) performed at Invitae indicates that this missense variant is expected to disrupt RYR1 protein function.

Literature cited by the submitters: PubMed 21118704 (cited by All of Us Research Program, National Institutes of Health); PubMed 8220422 (cited by Labcorp Genetics (formerly Invitae), Labcorp); PubMed 10051009 (cited by Labcorp Genetics (formerly Invitae), Labcorp); PubMed 19658156 (cited by Labcorp Genetics (formerly Invitae), Labcorp); PubMed 23183335 (cited by Labcorp Genetics (formerly Invitae), Labcorp).